The following is an entry in ClinVar:

NM_030962.4(SBF2):c.3800G>A (p.Trp1267Ter)

Gene: SBF2 (SET binding factor 2; minus strand). Cytogenetic location: 11p15.4.
Variant type: single nucleotide variant.
Coding change: c.3800G>A on transcript NM_030962.4 (MANE Select); coding-DNA position 3800, G replaced by A.
Protein change: p.Trp1267Ter; replaces tryptophan 1267 with a stop codon.
Molecular consequence: nonsense.
Genome position (GRCh38, 1-based): chr11:9,817,018, C>T on the plus strand (G>A on the coding strand, the complement: SBF2 is on the minus strand). VCF-style: chr11-9817018-C-T. GRCh37 (hg19) VCF-style: chr11-9838565-C-T.
Other names: c.3896G>A, p.Trp1299Ter (NM_001386339.1); c.3671G>A, p.Trp1224Ter (NM_001386342.1); c.3836G>A, p.Trp1279Ter (NM_001424318.1, NM_001425070.1); c.3695G>A, p.Trp1232Ter (NM_001425069.1); short protein forms W1224*, W1232*, W1267*, W1299*, W1279*.
Identifiers: ClinVar variation 4750133 (VCV004750133.1).

ClinVar aggregate classification (germline): Pathogenic (1 of 4 stars; one submission).

Conditions:
Charcot-Marie-Tooth disease type 4. Also called: Charcot-Marie-Tooth, Type 4; Charcot-Marie-Tooth disease, type IV. Identifiers: Orphanet 64749, MedGen C4082197, MONDO:0018995.

Submission:

Labcorp Genetics (formerly Invitae), Labcorp
Classification: Pathogenic for Charcot-Marie-Tooth disease type 4. Last evaluated: 2025-09-30. Review status: criteria provided, single submitter. Criteria: Invitae Variant Classification Sherloc (09022015). Collection method: clinical testing. Allele origin: germline.
Comment: This sequence change creates a premature translational stop signal (p.Trp1267*) in the SBF2 gene. It is expected to result in an absent or disrupted protein product. Loss-of-function variants in SBF2 are known to be pathogenic (PMID: 12687498, 25873783). This variant is not present in population databases (gnomAD no frequency). This premature translational stop signal has been observed in individual(s) with Charcot-Marie-Tooth disease (/31070812). For these reasons, this variant has been classified as Pathogenic.

Literature cited by the submitters: PubMed 12687498; PubMed 25873783.